The following is an entry in ClinVar:

ClinVar aggregate classification (germline): Uncertain significance (1 of 4 stars; one submission).

Submission:

Ambry Genetics
Classification: Uncertain significance. Last evaluated: 2026-03-06. Review status: criteria provided, single submitter. Criteria: Ambry Variant Classification Scheme 2023. Collection method: clinical testing. Allele origin: germline.
Comment: The p.P539R variant (also known as c.1616C>G), located in coding exon 9 of the PALLD gene, results from a C to G substitution at nucleotide position 1616. The proline at codon 539 is replaced by arginine, an amino acid with dissimilar properties. This amino acid position is conserved. In addition, this alteration is predicted to be deleterious by in silico analysis. Based on the available evidence, the clinical significance of this variant remains unclear.

NM_001166108.2(PALLD):c.3128C>G (p.Pro1043Arg)

Genes: CBR4 (carbonyl reductase 4; minus strand), PALLD (palladin, cytoskeletal associated protein; plus strand). Cytogenetic location: 4q32.3.
Variant type: single nucleotide variant.
Coding change: c.3128C>G on transcript NM_001166108.2 (MANE Select); coding-DNA position 3128, C replaced by G.
Protein change: p.Pro1043Arg; replaces proline 1043 with arginine.
Molecular consequence: missense variant.
Genome position (GRCh38, 1-based): chr4:168,924,324, C>G. VCF-style: chr4-168924324-C-G. GRCh37 (hg19) VCF-style: chr4-169845475-C-G.
Other names: c.1931C>G, p.Pro644Arg (NM_001166109.2); c.1616C>G, p.Pro539Arg (NM_001166110.2); c.956C>G, p.Pro319Arg (NM_001367567.1, NM_001367569.1); c.1007C>G, p.Pro336Arg (NM_001367568.1, NM_001367570.1); c.3077C>G, p.Pro1026Arg (NM_016081.4); short protein forms P336R, P644R, P1043R, P319R, P1026R, P539R.
Identifiers: ClinVar variation 4826074 (VCV004826074.1).